The following is an entry in ClinVar:

ClinVar aggregate classification (germline): Uncertain significance (1 of 4 stars; one submission).

Conditions:
GLUT1 deficiency syndrome 1, autosomal recessive. Identifiers: MedGen C3149117.

Submission:

Labcorp Genetics (formerly Invitae), Labcorp
Classification: Uncertain significance for GLUT1 deficiency syndrome 1, autosomal recessive. Last evaluated: 2025-10-21. Review status: criteria provided, single submitter. Criteria: Invitae Variant Classification Sherloc (09022015). Collection method: clinical testing. Allele origin: germline.
Comment: This variant, c.184_192del, results in the deletion of 3 amino acid(s) of the SLC2A1 protein (p.Thr62_Leu64del), but otherwise preserves the integrity of the reading frame. This variant is not present in population databases (gnomAD no frequency). This variant has not been reported in the literature in individuals affected with SLC2A1-related conditions. Experimental studies and prediction algorithms are not available or were not evaluated, and the functional significance of this variant is currently unknown. In summary, the available evidence is currently insufficient to determine the role of this variant in disease. Therefore, it has been classified as a Variant of Uncertain Significance.

NM_006516.4(SLC2A1):c.175ACCACGCTC[1] (p.59TTL[1])

Gene: SLC2A1 (solute carrier family 2 member 1; minus strand). Cytogenetic location: 1p34.2.
Variant type: Microsatellite.
Coding change: c.175ACCACGCTC[1] on transcript NM_006516.4 (MANE Select); one copy of the 9-base unit ACCACGCTC starting at c.175; the reference has two copies in a row; one copy, 9 bases deleted.
Protein change: p.59TTL[1].
Molecular consequence: inframe deletion.
Genome position (GRCh38, 1-based): chr1:42,931,129-42,931,137, GAGCGTGGT deleted on the plus strand (ACCACGCTC on the coding strand, the reverse complement: SLC2A1 is on the minus strand); deleting any 9 consecutive bases within chr1:42,931,129-42,931,147 gives the same sequence; the position shown is the placement nearest the transcript's 3' end. VCF-style (leftmost placement, unchanged base first): chr1-42931128-AGAGCGTGGT-A. GRCh37 (hg19) VCF-style: chr1-43396799-AGAGCGTGGT-A.
Identifiers: ClinVar variation 2135476 (VCV002135476.4), dbSNP rs2524999448, ClinGen allele CA2580611168.